The following is an entry in ClinVar:

NM_003238.6(TGFB2):c.1086G>T (p.Arg362Ser)

Gene: TGFB2 (transforming growth factor beta 2; plus strand). Cytogenetic location: 1q41.
Variant type: single nucleotide variant.
Coding change: c.1086G>T on transcript NM_003238.6 (MANE Select); coding-DNA position 1086, G replaced by T.
Protein change: p.Arg362Ser; replaces arginine 362 with serine.
Molecular consequence: missense variant. On other transcripts: non-coding transcript variant (2).
Genome position (GRCh38, 1-based): chr1:218,437,496, G>T. VCF-style: chr1-218437496-G-T. GRCh37 (hg19) VCF-style: chr1-218610838-G-T.
Other names: c.1170G>T, p.Arg390Ser (NM_001135599.4); short protein forms R362S, R390S.
Identifiers: ClinVar variation 3360759 (VCV003360759.1).

ClinVar aggregate classification (germline): Uncertain significance (1 of 4 stars; one submission).

gnomAD v4.1: 2 of 1,608,056 alleles (0.00012%); highest among the groups gnomAD compares: Non-Finnish European, 0.00017%; no homozygotes.

Submission:

GeneDx
Classification: Uncertain significance. Last evaluated: 2023-06-30. Review status: criteria provided, single submitter. Criteria: GeneDx Variant Classification Process June 2021. Collection method: clinical testing. Allele origin: germline. Affected: yes.
Comment: Not observed at significant frequency in large population cohorts (gnomAD); In silico analysis supports that this missense variant does not alter protein structure/function; Has not been previously published as pathogenic or benign to our knowledge